The following is an entry in ClinVar:

ClinVar aggregate classification (germline): Uncertain significance (1 of 4 stars; one submission).

Submission:

GeneDx
Classification: Uncertain significance. Last evaluated: 2025-05-28. Review status: criteria provided, single submitter. Criteria: GeneDx Variant Classification Process June 2021. Collection method: clinical testing. Allele origin: germline. Affected: yes.
Comment: Not observed at significant frequency in large population cohorts (gnomAD); In silico analysis supports that this missense variant has a deleterious effect on protein structure/function; Has not been previously published as pathogenic or benign to our knowledge

NM_001083962.2(TCF4):c.1984G>A (p.Gly662Arg)

Gene: TCF4 (transcription factor 4; minus strand). Cytogenetic location: 18q21.2.
Variant type: single nucleotide variant.
Coding change: c.1984G>A on transcript NM_001083962.2 (MANE Select); coding-DNA position 1984, G replaced by A.
Protein change: p.Gly662Arg; replaces glycine 662 with arginine.
Molecular consequence: missense variant.
Genome position (GRCh38, 1-based): chr18:55,228,257, C>T on the plus strand (G>A on the coding strand, the complement: TCF4 is on the minus strand). VCF-style: chr18-55228257-C-T. GRCh37 (hg19) VCF-style: chr18-52895488-C-T.
Other names: c.2290G>A, p.Gly764Arg (NM_001243226.3); c.1912G>A, p.Gly638Arg (NM_001243227.2, NM_001348217.1, NM_001348218.2 and 1 more transcripts); c.2002G>A, p.Gly668Arg (NM_001243228.2); c.1963G>A, p.Gly655Arg (NM_001243230.2); c.1846G>A, p.Gly616Arg (NM_001243231.2); c.1771G>A, p.Gly591Arg (NM_001243232.1); c.1582G>A, p.Gly528Arg (NM_001243233.2, NM_001348212.2); c.1504G>A, p.Gly502Arg (NM_001243234.2, NM_001348216.2); and 14 more; short protein forms G446R, G497R, G498R, G502R, G528R, G532R, G587R, G591R.
Identifiers: ClinVar variation 4532464 (VCV004532464.1).
Genomic context (GRCh38, chr18:55,228,257, plus strand): 5'-AGAAATGGCTGAAAACAAACTTGCCCTTTTACATCTGTCCCATGTGATTCGATGCGTCTC[C>T]CATTCCAGGGTGTGGGCCGGCCAAGGAGAGAGGGGGAGGCTCTGAGGACACCTTCTCTTC-3'
Protein context (NP_001077431.1, residues 652-671): LSLAGPHPGM[Gly662Arg]DASNHMGQM